The following is an entry in ClinVar:

NM_015192.4(PLCB1):c.29C>G (p.Ala10Gly)

Gene: PLCB1 (phospholipase C beta 1; plus strand). Cytogenetic location: 20p12.3.
Variant type: single nucleotide variant.
Coding change: c.29C>G on transcript NM_015192.4 (MANE Select); coding-DNA position 29, C replaced by G.
Protein change: p.Ala10Gly; replaces alanine 10 with glycine.
Molecular consequence: missense variant.
Genome position (GRCh38, 1-based): chr20:8,132,680, C>G. VCF-style: chr20-8132680-C-G. GRCh37 (hg19) VCF-style: chr20-8113327-C-G.
Other names: c.29C>G, p.Ala10Gly (NM_182734.3); short protein forms A10G.
Identifiers: ClinVar variation 1400576 (VCV001400576.6), dbSNP rs1568564198, ClinGen allele CA408260854.

ClinVar aggregate classification (germline): Uncertain significance (1 of 4 stars; one submission).

Conditions:
Developmental and epileptic encephalopathy, 12 (DEE12). Identifiers: MedGen C3150988, MONDO:0013389, OMIM 613722.

Allele frequency attached by ClinVar (database versions not stated): gnomAD exomes below 0.00001.
gnomAD v4.1: 1 of 1,612,744 alleles (0.000062%); no homozygotes.

Submission:

Labcorp Genetics (formerly Invitae), Labcorp
Classification: Uncertain significance for Developmental and epileptic encephalopathy, 12. Last evaluated: 2022-07-12. Review status: criteria provided, single submitter. Criteria: Invitae Variant Classification Sherloc (09022015). Collection method: clinical testing. Allele origin: germline.
Comment: This sequence change replaces alanine, which is neutral and non-polar, with glycine, which is neutral and non-polar, at codon 10 of the PLCB1 protein (p.Ala10Gly). This variant is not present in population databases (gnomAD no frequency). This variant has not been reported in the literature in individuals affected with PLCB1-related conditions. ClinVar contains an entry for this variant (Variation ID: 1400576). Algorithms developed to predict the effect of missense changes on protein structure and function (SIFT, PolyPhen-2, Align-GVGD) all suggest that this variant is likely to be tolerated. In summary, the available evidence is currently insufficient to determine the role of this variant in disease. Therefore, it has been classified as a Variant of Uncertain Significance.